The following is an entry in ClinVar:

ClinVar aggregate classification (germline): Uncertain significance. Review status: criteria provided, multiple submitters, no conflicts (2 of 4 stars). 3 submissions from 3 submitters: Uncertain significance (3). Last evaluated 2025-04-15.

Conditions:
Inborn genetic diseases. Identifiers: MedGen C0950123, MeSH D030342.

Allele frequency attached by ClinVar (database versions not stated): gnomAD exomes below 0.00001 and 0.00001; ExAC 0.00001.
gnomAD v4.1: 1 of 1,209,998 alleles (0.000083%); highest among the groups gnomAD compares: Non-Finnish European, 0.00011%; no homozygotes.

Submissions (3):

Ambry Genetics
Classification: Uncertain significance for Inborn genetic diseases. Last evaluated: 2025-04-15. Review status: criteria provided, single submitter. Criteria: Ambry Variant Classification Scheme 2023. Collection method: clinical testing. Allele origin: germline.

Blueprint Genetics
Classification: Uncertain significance. Last evaluated: 2024-06-25. Review status: criteria provided, single submitter. Criteria: ACMG Guidelines, 2015. Collection method: clinical testing. Allele origin: germline.

Labcorp Genetics (formerly Invitae), Labcorp
Classification: Uncertain significance. Last evaluated: 2021-08-31. Review status: criteria provided, single submitter. Criteria: Invitae Variant Classification Sherloc (09022015). Collection method: clinical testing. Allele origin: germline.
Comment: This sequence change replaces arginine with glutamine at codon 729 of the OPHN1 protein (p.Arg729Gln). The arginine residue is moderately conserved and there is a small physicochemical difference between arginine and glutamine. This variant is present in population databases (rs774903073, ExAC 0.002%), including at least one homozygous and/or hemizygous individual. This variant has not been reported in the literature in individuals affected with OPHN1-related conditions. Algorithms developed to predict the effect of missense changes on protein structure and function (SIFT, PolyPhen-2, Align-GVGD) all suggest that this variant is likely to be tolerated. In summary, the available evidence is currently insufficient to determine the role of this variant in disease. Therefore, it has been classified as a Variant of Uncertain Significance.

NM_002547.3(OPHN1):c.2186G>A (p.Arg729Gln)

Gene: OPHN1 (oligophrenin 1; minus strand). Cytogenetic location: Xq12.
Variant type: single nucleotide variant.
Coding change: c.2186G>A on transcript NM_002547.3 (MANE Select); coding-DNA position 2186, G replaced by A.
Protein change: p.Arg729Gln; replaces arginine 729 with glutamine.
Molecular consequence: missense variant.
Genome position (GRCh38, 1-based): chrX:68,053,783, C>T on the plus strand (G>A on the coding strand, the complement: OPHN1 is on the minus strand). VCF-style: chrX-68053783-C-T. GRCh37 (hg19) VCF-style: chrX-67273625-C-T.
Other names: c.2186G>A (NM_002547.2); short protein forms R729Q.
Identifiers: ClinVar variation 1432076 (VCV001432076.8), dbSNP rs774903073, ClinGen allele CA10436772.
Genomic context (GRCh38, chrX:68,053,783, plus strand): 5'-CAGGGAGGATCTGGGGGCCTCACTGGGGGGCGGATGATGGTTGGCTTTTCTCCTGGAGGC[C>T]GCACTTTGCTGAAACTGTCAGCATCCCCTGGAAGAGAAAATGATACCAGGAACTTGGATG-3'
Protein context (NP_002538.1, residues 719-739): EGDADSFSKV[Arg729Gln]PPGEKPTIIR